The following is an entry in ClinVar:

ClinVar aggregate classification (germline): Uncertain significance. Review status: criteria provided, multiple submitters, no conflicts (2 of 4 stars). 2 submissions from 2 submitters: Uncertain significance (2). Last evaluated 2024-05-31.

Conditions:
Hereditary cancer-predisposing syndrome. Also called: Hereditary neoplastic syndrome; Neoplastic Syndromes, Hereditary; Tumor predisposition; Hereditary Cancer Syndrome. Identifiers: Orphanet 140162, MedGen C0027672, MeSH D009386, MONDO:0015356.
Tuberous sclerosis 2 (TSC2). Identifiers: Orphanet 805, MedGen C1860707, MONDO:0013199, OMIM 613254.

Submissions (2):

Ambry Genetics
Classification: Uncertain significance for Hereditary cancer-predisposing syndrome. Last evaluated: 2024-05-31. Review status: criteria provided, single submitter. Criteria: Ambry Variant Classification Scheme 2023. Collection method: clinical testing. Allele origin: germline.
Comment: The p.P1046S variant (also known as c.3136C>T), located in coding exon 27 of the TSC2 gene, results from a C to T substitution at nucleotide position 3136. The proline at codon 1046 is replaced by serine, an amino acid with similar properties. This amino acid position is conserved. In addition, this alteration is predicted to be deleterious by in silico analysis. Based on the available evidence, the clinical significance of this variant remains unclear.

Labcorp Genetics (formerly Invitae), Labcorp
Classification: Uncertain significance for Tuberous sclerosis 2. Last evaluated: 2024-05-31. Review status: criteria provided, single submitter. Criteria: Invitae Variant Classification Sherloc (09022015). Collection method: clinical testing. Allele origin: germline.
Comment: This sequence change replaces proline, which is neutral and non-polar, with serine, which is neutral and polar, at codon 1046 of the TSC2 protein (p.Pro1046Ser). This variant is not present in population databases (gnomAD no frequency). This variant has not been reported in the literature in individuals affected with TSC2-related conditions. ClinVar contains an entry for this variant (Variation ID: 467992). Advanced modeling of protein sequence and biophysical properties (such as structural, functional, and spatial information, amino acid conservation, physicochemical variation, residue mobility, and thermodynamic stability) performed at Invitae indicates that this missense variant is not expected to disrupt TSC2 protein function with a negative predictive value of 95%. In summary, the available evidence is currently insufficient to determine the role of this variant in disease. Therefore, it has been classified as a Variant of Uncertain Significance.

NM_000548.5(TSC2):c.3136C>T (p.Pro1046Ser)

Gene: TSC2 (TSC complex subunit 2; plus strand). Cytogenetic location: 16p13.3.
Variant type: single nucleotide variant.
Coding change: c.3136C>T on transcript NM_000548.5 (MANE Select); coding-DNA position 3136, C replaced by T.
Protein change: p.Pro1046Ser; replaces proline 1046 with serine.
Molecular consequence: missense variant.
Genome position (GRCh38, 1-based): chr16:2,079,280, C>T. VCF-style: chr16-2079280-C-T. GRCh37 (hg19) VCF-style: chr16-2129281-C-T.
Other names: c.3007C>T, p.Pro1003Ser (NM_001363528.2, NM_001370405.1, NM_021055.3); c.3004C>T, p.Pro1002Ser (NM_001370404.1, NM_001077183.3); c.3136C>T, p.Pro1046Ser (NM_001114382.3); c.2896C>T, p.Pro966Ser (NM_001318827.2); c.2860C>T, p.Pro954Ser (NM_001318829.2); c.2404C>T, p.Pro802Ser (NM_001318831.2); c.3037C>T, p.Pro1013Ser (NM_001318832.2); short protein forms P1046S, P1003S, P954S, P1013S, P802S, P1002S, P966S.
Identifiers: ClinVar variation 467992 (VCV000467992.8), dbSNP rs774008119, ClinGen allele CA394285157.
Genomic context (GRCh38, chr16:2,079,280, plus strand): 5'-GGCGGGCCTGCGGGAGCTCCACGGGCAAGCTGGGTTTCACGCTCCCTGTCTTCTAGGTCT[C>T]CTGTGGGCGAGTTCCTCCTAGCGGGTGGCAGGACCAAAACCTGGCTGGTTGGGAACAAGC-3'
Protein context (NP_000539.2, residues 1036-1056): SNFTAVPKRS[Pro1046Ser]VGEFLLAGGR